The following is an entry in ClinVar:

NM_000136.3(FANCC):c.1027T>G (p.Tyr343Asp)

Genes: AOPEP (aminopeptidase O (putative); plus strand), FANCC (FA complementation group C; minus strand). Cytogenetic location: 9q22.32.
Variant type: single nucleotide variant.
Coding change: c.1027T>G on transcript NM_000136.3 (MANE Select); coding-DNA position 1027, T replaced by G.
Protein change: p.Tyr343Asp; replaces tyrosine 343 with aspartic acid.
Molecular consequence: missense variant.
Genome position (GRCh38, 1-based): chr9:95,117,360, A>C on the plus strand (T>G on the coding strand, the complement: FANCC is on the minus strand). VCF-style: chr9-95117360-A-C. GRCh37 (hg19) VCF-style: chr9-97879642-A-C.
Other names: c.1027T>G (NM_000136.2); c.1027T>G, p.Tyr343Asp (NM_001243743.2, NM_001243744.2); short protein forms Y343D.
Identifiers: ClinVar variation 929763 (VCV000929763.4), dbSNP rs990172603, ClinGen allele CA196547134.
Genomic context (GRCh38, chr9:95,117,360, plus strand): 5'-TCAACCCTAACTCACCTTGAGGGTCTTGCAGCAGCACCATGGCAAGAGATGGAGAAGTGT[A>C]AGGAAAGTAGGTCTTGAGTGCAAACCGCAGCTGCCACAGGATGGAAAATCCAAAGAGCAT-3'
Protein context (NP_000127.2, residues 333-353): LRFALKTYFP[Tyr343Asp]TSPSLAMVLL

ClinVar aggregate classification (germline): Uncertain significance. Review status: criteria provided, multiple submitters, no conflicts (2 of 4 stars). 2 submissions from 2 submitters: Uncertain significance (2). Last evaluated 2021-07-14.

Conditions:
Hereditary cancer-predisposing syndrome. Also called: Hereditary neoplastic syndrome; Tumor predisposition; Neoplastic Syndromes, Hereditary; Hereditary Cancer Syndrome. Identifiers: Orphanet 140162, MedGen C0027672, MeSH D009386, MONDO:0015356.
Premature ovarian insufficiency (POF). Also called: Premature ovarian failure. Identifiers: MedGen C4303540, HP:0008209.

Submissions (2):

Ambry Genetics
Classification: Uncertain significance for Hereditary cancer-predisposing syndrome. Last evaluated: 2021-07-14. Review status: criteria provided, single submitter. Criteria: Ambry Variant Classification Scheme 2023. Collection method: clinical testing. Allele origin: germline.
Comment: The p.Y343D variant (also known as c.1027T>G), located in coding exon 10 of the FANCC gene, results from a T to G substitution at nucleotide position 1027. The tyrosine at codon 343 is replaced by aspartic acid, an amino acid with highly dissimilar properties. This amino acid position is conserved. In addition, this alteration is predicted to be tolerated by in silico analysis. Since supporting evidence is limited at this time, the clinical significance of this alteration remains unclear.

Medical Cytogenetics and Molecular Genetics Laboratory, IRCCS Istituto Auxologico Italiano
Classification: Uncertain significance for Premature ovarian failure. Last evaluated: 2020-03-02. Review status: criteria provided, single submitter. Criteria: ACMG Guidelines, 2015. Collection method: research. Allele origin: germline. Affected: yes. Observed: 1 variant allele.